The following is an entry in ClinVar:

ClinVar aggregate classification (germline): Conflicting classifications of pathogenicity. Review status: criteria provided, conflicting classifications (1 of 4 stars). 2 submissions from 2 submitters: Uncertain significance (1); Likely benign (1). Last evaluated 2022-04-10.

Conditions:
Progressive sclerosing poliodystrophy (MTDPS4A). Also called: ALPERS PROGRESSIVE INFANTILE POLIODYSTROPHY; NEURONAL DEGENERATION OF CHILDHOOD WITH LIVER DISEASE, PROGRESSIVE; Alpers-Huttenlocher Syndrome (AHS); Alpers Syndrome; Mitochondrial DNA Depletion Syndrome 4A; ALPERS DIFFUSE DEGENERATION OF CEREBRAL GRAY MATTER WITH HEPATIC CIRRHOSIS. Identifiers: Orphanet 726, MedGen C0205710, MONDO:0008758, OMIM 203700.

Allele frequency attached by ClinVar (database versions not stated): gnomAD exomes below 0.00001; TOPMed 0.00001; gnomAD 0.00003.
gnomAD v4.1: 5 of 1,594,610 alleles (0.00031%); highest among the groups gnomAD compares: Non-Finnish European, 0.00043%; no homozygotes.

Submissions (2):

Labcorp Genetics (formerly Invitae), Labcorp
Classification: Uncertain significance for Progressive sclerosing poliodystrophy. Last evaluated: 2022-04-10. Review status: criteria provided, single submitter. Criteria: Invitae Variant Classification Sherloc (09022015). Collection method: clinical testing. Allele origin: germline.
Comment: This sequence change falls in intron 10 of the POLG gene. It does not directly change the encoded amino acid sequence of the POLG protein. It affects a nucleotide within the consensus splice site. This variant is present in population databases (no rsID available, gnomAD 0.007%). This variant has not been reported in the literature in individuals affected with POLG-related conditions. ClinVar contains an entry for this variant (Variation ID: 390286). Variants that disrupt the consensus splice site are a relatively common cause of aberrant splicing (PMID: 17576681, 9536098). Algorithms developed to predict the effect of sequence changes on RNA splicing suggest that this variant may create or strengthen a splice site. In summary, the available evidence is currently insufficient to determine the role of this variant in disease. Therefore, it has been classified as a Variant of Uncertain Significance.

GeneDx
Classification: Likely benign. Last evaluated: 2018-07-30. Review status: criteria provided, single submitter. Criteria: GeneDx Variant Classification Process June 2021. Collection method: clinical testing. Allele origin: germline. Affected: yes.

Literature cited by the submitters: PubMed 17576681 (cited by Labcorp Genetics (formerly Invitae), Labcorp); PubMed 9536098 (cited by Labcorp Genetics (formerly Invitae), Labcorp).

NM_002693.3(POLG):c.1949+3A>G

Gene: POLG (DNA polymerase gamma, catalytic subunit; minus strand). Cytogenetic location: 15q26.1.
Variant type: single nucleotide variant.
Coding change: c.1949+3A>G on transcript NM_002693.3 (MANE Select); 3 bases into the intron after coding-DNA position 1949, A replaced by G.
Molecular consequence: intron variant.
Genome position (GRCh38, 1-based): chr15:89,325,447, T>C on the plus strand (A>G on the coding strand, the complement: POLG is on the minus strand). VCF-style: chr15-89325447-T-C. GRCh37 (hg19) VCF-style: chr15-89868678-T-C.
Other names: c.1949+3A>G (NM_001126131.2).
Identifiers: ClinVar variation 390286 (VCV000390286.6), dbSNP rs1057523710, ClinGen allele CA16607067.